The following is an entry in ClinVar:

NM_024675.4(PALB2):c.1622G>A (p.Arg541Lys)

Gene: PALB2 (partner and localizer of BRCA2; minus strand). Cytogenetic location: 16p12.2.
Variant type: single nucleotide variant.
Coding change: c.1622G>A on transcript NM_024675.4 (MANE Select); coding-DNA position 1622, G replaced by A.
Protein change: p.Arg541Lys; replaces arginine 541 with lysine.
Molecular consequence: missense variant.
Genome position (GRCh38, 1-based): chr16:23,634,924, C>T on the plus strand (G>A on the coding strand, the complement: PALB2 is on the minus strand). VCF-style: chr16-23634924-C-T. GRCh37 (hg19) VCF-style: chr16-23646245-C-T.
Other names: short protein forms R541K.
Identifiers: ClinVar variation 819679 (VCV000819679.19), dbSNP rs1597095450, ClinGen allele CA395130342.

ClinVar aggregate classification (germline): Conflicting classifications of pathogenicity. Review status: criteria provided, conflicting classifications (1 of 4 stars). 3 submissions from 3 submitters: Uncertain significance (2); Likely benign (1). Last evaluated 2025-04-27.

Conditions:
Hereditary cancer-predisposing syndrome. Also called: Neoplastic Syndromes, Hereditary; Tumor predisposition; Hereditary Cancer Syndrome; Hereditary neoplastic syndrome. Identifiers: Orphanet 140162, MedGen C0027672, MeSH D009386, MONDO:0015356.
Familial cancer of breast. Also called: BREAST CANCER, FAMILIAL; Hereditary breast cancer; hereditary breast carcinoma. Identifiers: Orphanet 227535, MedGen C0346153, MONDO:0016419, OMIM 114480. Disease mechanism: loss of function.

Submissions (3):

Labcorp Genetics (formerly Invitae), Labcorp
Classification: Uncertain significance for Familial cancer of breast. Last evaluated: 2025-04-27. Review status: criteria provided, single submitter. Criteria: Invitae Variant Classification Sherloc (09022015). Collection method: clinical testing. Allele origin: germline.
Comment: This sequence change replaces arginine, which is basic and polar, with lysine, which is basic and polar, at codon 541 of the PALB2 protein (p.Arg541Lys). This variant is not present in population databases (gnomAD no frequency). This variant has not been reported in the literature in individuals affected with PALB2-related conditions. ClinVar contains an entry for this variant (Variation ID: 819679). Invitae Evidence Modeling of protein sequence and biophysical properties (such as structural, functional, and spatial information, amino acid conservation, physicochemical variation, residue mobility, and thermodynamic stability) indicates that this missense variant is not expected to disrupt PALB2 protein function with a negative predictive value of 80%. In summary, the available evidence is currently insufficient to determine the role of this variant in disease. Therefore, it has been classified as a Variant of Uncertain Significance.

Ambry Genetics
Classification: Likely benign for Hereditary cancer-predisposing syndrome. Last evaluated: 2024-05-14. Review status: criteria provided, single submitter. Criteria: Ambry Variant Classification Scheme 2023. Collection method: clinical testing. Allele origin: germline.

Color Diagnostics, LLC DBA Color Health
Classification: Uncertain significance for Hereditary cancer-predisposing syndrome. Last evaluated: 2020-02-18. Review status: criteria provided, single submitter. Criteria: ACMG Guidelines, 2015. Collection method: clinical testing. Allele origin: germline.
Comment: This missense variant replaces arginine with lysine at codon 541 of the PALB2 protein. Computational prediction suggests that this variant may not impact protein structure and function (internally defined REVEL score threshold <= 0.5, PMID: 27666373). Splice site prediction tools suggest that this variant may not impact RNA splicing. To our knowledge, functional studies have not been performed for this variant. This variant has not been reported in individuals affected with hereditary cancer in the literature. This variant has not been identified in the general population by the Genome Aggregation Database (gnomAD). The available evidence is insufficient to determine the role of this variant in disease conclusively. Therefore, this variant is classified as a Variant of Uncertain Significance.